The following is an entry in ClinVar:

NM_001042424.3(NSD2):c.3220G>A (p.Gly1074Arg)

Gene: NSD2 (nuclear receptor binding SET domain protein 2; plus strand). Cytogenetic location: 4p16.3.
Variant type: single nucleotide variant.
Coding change: c.3220G>A on transcript NM_001042424.3 (MANE Select); coding-DNA position 3220, G replaced by A.
Protein change: p.Gly1074Arg; replaces glycine 1074 with arginine.
Molecular consequence: missense variant.
Genome position (GRCh38, 1-based): chr4:1,959,705, G>A. VCF-style: chr4-1959705-G-A. GRCh37 (hg19) VCF-style: chr4-1961432-G-A.
Other names: c.3220G>A, p.Gly1074Arg (NM_133330.3, NM_133331.3, NM_133335.4); short protein forms G1074R.
Identifiers: ClinVar variation 3766331 (VCV003766331.2).

ClinVar aggregate classification (germline): Uncertain significance (1 of 4 stars; one submission).

Submission:

GeneDx
Classification: Uncertain significance. Last evaluated: 2026-06-18. Review status: criteria provided, single submitter. Criteria: GeneDx Variant Classification Process June 2021. Collection method: clinical testing. Allele origin: germline.
Comment: Not observed at significant frequency in large population cohorts (gnomAD); In silico analysis supports that this missense variant has a deleterious effect on protein structure/function; Has not been previously published as pathogenic or benign to our knowledge